The following is an entry in ClinVar:

ClinVar aggregate classification (germline): Uncertain significance (1 of 4 stars; one submission).

Conditions:
Hereditary cancer-predisposing syndrome. Also called: Hereditary Cancer Syndrome; Hereditary neoplastic syndrome; Neoplastic Syndromes, Hereditary; Tumor predisposition. Identifiers: Orphanet 140162, MedGen C0027672, MeSH D009386, MONDO:0015356.

Submission:

Ambry Genetics
Classification: Uncertain significance for Hereditary cancer-predisposing syndrome. Last evaluated: 2025-08-22. Review status: criteria provided, single submitter. Criteria: Ambry Variant Classification Scheme 2023. Collection method: clinical testing. Allele origin: germline.
Comment: The p.Q1095K variant (also known as c.3283C>A), located in coding exon 28 of the EGFR gene, results from a C to A substitution at nucleotide position 3283. The glutamine at codon 1095 is replaced by lysine, an amino acid with similar properties. This amino acid position is conserved. In addition, the in silico prediction for this alteration is inconclusive. Based on the available evidence, the clinical significance of this variant remains unclear.

NM_005228.5(EGFR):c.3283C>A (p.Gln1095Lys)

Gene: EGFR (epidermal growth factor receptor; plus strand). Cytogenetic location: 7p11.2.
Variant type: single nucleotide variant.
Coding change: c.3283C>A on transcript NM_005228.5 (MANE Select); coding-DNA position 3283, C replaced by A.
Protein change: p.Gln1095Lys; replaces glutamine 1095 with lysine.
Molecular consequence: missense variant.
Genome position (GRCh38, 1-based): chr7:55,205,267, C>A. VCF-style: chr7-55205267-C-A. GRCh37 (hg19) VCF-style: chr7-55272960-C-A.
Other names: c.3148C>A, p.Gln1050Lys (NM_001346899.2); c.3124C>A, p.Gln1042Lys (NM_001346900.2); c.2482C>A, p.Gln828Lys (NM_001346941.2); short protein forms Q828K, Q1042K, Q1050K, Q1095K.
Identifiers: ClinVar variation 4247355 (VCV004247355.1).